The following is an entry in ClinVar:

NM_032608.7(MYO18B):c.280G>A (p.Asp94Asn)

Gene: MYO18B (myosin XVIIIB; plus strand). Cytogenetic location: 22q12.1.
Variant type: single nucleotide variant.
Coding change: c.280G>A on transcript NM_032608.7 (MANE Select); coding-DNA position 280, G replaced by A.
Protein change: p.Asp94Asn; replaces aspartic acid 94 with asparagine.
Molecular consequence: missense variant.
Genome position (GRCh38, 1-based): chr22:25,768,196, G>A. VCF-style: chr22-25768196-G-A. GRCh37 (hg19) VCF-style: chr22-26164163-G-A.
Other names: c.280G>A, p.Asp94Asn (NM_001318245.2); short protein forms D94N.
Identifiers: ClinVar variation 2065300 (VCV002065300.1), dbSNP rs759844976, ClinGen allele CA10159543.

ClinVar aggregate classification (germline): Uncertain significance (1 of 4 stars; one submission).

Allele frequency attached by ClinVar (database versions not stated): TOPMed below 0.00001; gnomAD 0.00003; ExAC 0.00007.
gnomAD v4.1: 51 of 1,613,774 alleles (0.0032%); highest among the groups gnomAD compares: South Asian, 0.051%; no homozygotes.

Submission:

Labcorp Genetics (formerly Invitae), Labcorp
Classification: Uncertain significance. Last evaluated: 2022-02-28. Review status: criteria provided, single submitter. Criteria: Invitae Variant Classification Sherloc (09022015). Collection method: clinical testing. Allele origin: germline.
Comment: This sequence change replaces aspartic acid, which is acidic and polar, with asparagine, which is neutral and polar, at codon 94 of the MYO18B protein (p.Asp94Asn). This variant is present in population databases (rs759844976, gnomAD 0.07%). This variant has not been reported in the literature in individuals affected with MYO18B-related conditions. Algorithms developed to predict the effect of missense changes on protein structure and function output the following: SIFT: "Not Available"; PolyPhen-2: "Benign"; Align-GVGD: "Not Available". The asparagine amino acid residue is found in multiple mammalian species, which suggests that this missense change does not adversely affect protein function. In summary, the available evidence is currently insufficient to determine the role of this variant in disease. Therefore, it has been classified as a Variant of Uncertain Significance.